The following is an entry in ClinVar:

ClinVar aggregate classification (germline): Pathogenic (1 of 4 stars; one submission).

Conditions:
EGFR-related lung cancer (EGFR). Identifiers: MedGen CN130014.

Submission:

Labcorp Genetics (formerly Invitae), Labcorp
Classification: Pathogenic for EGFR-related lung cancer. Last evaluated: 2022-09-19. Review status: criteria provided, single submitter. Criteria: Invitae Variant Classification Sherloc (09022015). Collection method: clinical testing. Allele origin: germline.
Comment: This variant has not been reported in the literature in individuals affected with EGFR-related conditions. ClinVar contains an entry for this variant (Variation ID: 1508578). For these reasons, this variant has been classified as Pathogenic. This variant is not present in population databases (gnomAD no frequency). This sequence change creates a premature translational stop signal (p.Leu907*) in the EGFR gene. It is expected to result in an absent or disrupted protein product. Loss-of-function variants in EGFR are known to be pathogenic (PMID: 7630400, 28726809, 29899996).

Literature cited by the submitters: PubMed 7630400; PubMed 28726809; PubMed 29899996.

NM_005228.5(EGFR):c.2720T>A (p.Leu907Ter)

Gene: EGFR (epidermal growth factor receptor; plus strand). Cytogenetic location: 7p11.2.
Variant type: single nucleotide variant.
Coding change: c.2720T>A on transcript NM_005228.5 (MANE Select); coding-DNA position 2720, T replaced by A.
Protein change: p.Leu907Ter; replaces leucine 907 with a stop codon.
Molecular consequence: nonsense.
Genome position (GRCh38, 1-based): chr7:55,198,735, T>A. VCF-style: chr7-55198735-T-A. GRCh37 (hg19) VCF-style: chr7-55266428-T-A.
Other names: c.2585T>A, p.Leu862Ter (NM_001346897.2, NM_001346899.2); c.2720T>A, p.Leu907Ter (NM_001346898.2); c.2561T>A, p.Leu854Ter (NM_001346900.2); c.1919T>A, p.Leu640Ter (NM_001346941.2); short protein forms L640*, L862*, L854*, L907*.
Identifiers: ClinVar variation 1508578 (VCV001508578.6), dbSNP rs2128968655, ClinGen allele CA367581206.